The following is an entry in ClinVar:

ClinVar aggregate classification (germline): Benign/Likely benign. Review status: criteria provided, multiple submitters, no conflicts (2 of 4 stars). 8 submissions from 8 submitters: Benign (1); Likely benign (6). 1 of the submissions does not count toward it. Last evaluated 2025-11-09.

Conditions:
Familial cancer of breast. Also called: BREAST CANCER, FAMILIAL; hereditary breast carcinoma; Hereditary breast cancer. Identifiers: Orphanet 227535, MedGen C0346153, MONDO:0016419, OMIM 114480. Disease mechanism: loss of function.
Hereditary cancer-predisposing syndrome. Also called: Neoplastic Syndromes, Hereditary; Tumor predisposition; Hereditary Cancer Syndrome; Hereditary neoplastic syndrome. Identifiers: Orphanet 140162, MedGen C0027672, MeSH D009386, MONDO:0015356.
Malignant tumor of breast. Also called: Malignant breast neoplasm; Cancer breast. Identifiers: MedGen C0006142, MONDO:0007254. Disease mechanism: loss of function.

Allele frequency attached by ClinVar (database versions not stated): gnomAD 0.00001; gnomAD exomes 0.00001; TOPMed 0.00002.
gnomAD v4.1: 5 of 1,613,122 alleles (0.00031%); highest among the groups gnomAD compares: Non-Finnish European, 0.00042%; no homozygotes.

Submissions (8):

Labcorp Genetics (formerly Invitae), Labcorp
Classification: Likely benign for Familial cancer of breast. Last evaluated: 2025-11-09. Review status: criteria provided, single submitter. Criteria: Invitae Variant Classification Sherloc (09022015). Collection method: clinical testing. Allele origin: germline.

Myriad Genetics, Inc.
Classification: Benign for Familial cancer of breast. Last evaluated: 2024-07-19. Review status: criteria provided, single submitter. Criteria: Myriad Autosomal Dominant, Autosomal Recessive and X-Linked Classification Criteria (2023). Collection method: clinical testing. Allele origin: unknown.
Comment: This variant is considered benign. This variant is a silent/synonymous amino acid change and it is not expected to impact splicing.

Genetic Services Laboratory, University of Chicago
Classification: Likely benign. Last evaluated: 2022-01-20. Review status: criteria provided, single submitter. Criteria: ACMG Guidelines, 2015. Collection method: clinical testing. Allele origin: germline. Affected: no.

Sema4
Classification: Likely benign for Hereditary cancer-predisposing syndrome. Last evaluated: 2021-07-27. Review status: criteria provided, single submitter. Criteria: Sema4 Curation Guidelines. Collection method: curation. Allele origin: germline.

Women's Health and Genetics/Laboratory Corporation of America, LabCorp
Classification: Likely benign. Last evaluated: 2019-08-21. Review status: criteria provided, single submitter. Criteria: LabCorp Variant Classification Summary - May 2015. Collection method: clinical testing. Allele origin: germline.

Color Diagnostics, LLC DBA Color Health
Classification: Likely benign for Hereditary cancer-predisposing syndrome. Last evaluated: 2017-03-13. Review status: criteria provided, single submitter. Criteria: ACMG Guidelines, 2015. Collection method: clinical testing. Allele origin: germline.

Ambry Genetics
Classification: Likely benign for Hereditary cancer-predisposing syndrome. Last evaluated: 2015-10-28. Review status: criteria provided, single submitter. Criteria: Ambry Variant Classification Scheme 2023. Collection method: clinical testing. Allele origin: germline.

Department of Pathology and Laboratory Medicine, Sinai Health System
Classification: Uncertain significance for Malignant tumor of breast. Review status: no assertion criteria provided. Collection method: clinical testing. Allele origin: unknown. Affected: yes. Study: The Canadian Open Genetics Repository (COGR). Not counted in ClinVar's aggregate classification.
Comment: The BARD1 p.Gln100Gln variant was not identified in the literature nor was it identified in the dbSNP, ClinVar, Clinvitae, COSMIC, MutDB or the Zhejiang Colon Cancer Database. The variant was not identified in the 1000 Genomes Project, the NHLBI GO Exome Sequencing Project, Exome Aggregation Consortium (August 8th 2016) or the Genome Aggregation Consortium (Feb 27, 2017). The p.Gln100Gln variant is not expected to have clinical significance because it does not result in a change of amino acid. The variant occurs outside of the splicing consensus sequence and 1 of 5 in silico or computational prediction software programs (SpliceSiteFinder, MaxEntScan, NNSPLICE, GeneSplicer, HumanSpliceFinder) predict a difference in splicing. In summary, based on the above information the clinical significance of this variant cannot be determined with certainty at this time. This variant is classified as a variant of uncertain significance.

NM_000465.4(BARD1):c.300A>G (p.Gln100=)

Gene: BARD1 (BRCA1 associated RING domain 1; minus strand). Cytogenetic location: 2q35.
Variant type: single nucleotide variant.
Coding change: c.300A>G on transcript NM_000465.4 (MANE Select); coding-DNA position 300, A replaced by G.
Protein change: p.Gln100=; no amino-acid change (glutamine 100 retained).
Molecular consequence: synonymous variant. On other transcripts: non-coding transcript variant (1), intron variant (2).
Genome position (GRCh38, 1-based): chr2:214,792,361, T>C on the plus strand (A>G on the coding strand, the complement: BARD1 is on the minus strand). VCF-style: chr2-214792361-T-C. GRCh37 (hg19) VCF-style: chr2-215657085-T-C.
Other names: c.243A>G, p.Gln81= (NM_001282543.2); c.300A>G, p.Gln100= (NM_001282549.2); c.158+17051A>G (NM_001282548.2); c.215+4700A>G (NM_001282545.2).
Identifiers: ClinVar variation 460744 (VCV000460744.26), dbSNP rs977731407, ClinGen allele CA64798931.